The following is an entry in ClinVar:

ClinVar aggregate classification (germline): Pathogenic/Likely pathogenic. Review status: criteria provided, multiple submitters, no conflicts (2 of 4 stars). 4 submissions from 4 submitters: Pathogenic (2); Likely pathogenic (2). Last evaluated 2025-06-07.

Conditions:
Lynch syndrome. Identifiers: Orphanet 144, MedGen C4552100, MONDO:0005835. Disease mechanism: loss of function.
Hereditary cancer-predisposing syndrome. Also called: Neoplastic Syndromes, Hereditary; Tumor predisposition; Hereditary Cancer Syndrome; Hereditary neoplastic syndrome. Identifiers: Orphanet 140162, MedGen C0027672, MeSH D009386, MONDO:0015356.
Lynch syndrome 5 (LYNCH5). Also called: Hereditary non-polyposis colorectal cancer, type 5; Colorectal cancer, hereditary nonpolyposis, type 5. Identifiers: Orphanet 144, MedGen C1833477, MONDO:0013710, OMIM 614350. Disease mechanism: loss of function.
Endometrial carcinoma. Also called: Endometrial carcinoma, somatic. Identifiers: MedGen C0476089, MONDO:0002447, OMIM 608089, HP:0012114.

Submissions (4):

Ambry Genetics
Classification: Pathogenic for Hereditary cancer-predisposing syndrome. Last evaluated: 2025-06-07. Review status: criteria provided, single submitter. Criteria: Ambry Variant Classification Scheme 2023. Collection method: clinical testing. Allele origin: germline.
Comment: The c.3365_3366insTT pathogenic mutation, located in coding exon 5 of the MSH6 gene, results from an insertion of two nucleotides at position 3365, causing a translational frameshift with a predicted alternate stop codon (p.Q1122Hfs*24). This alteration is expected to result in loss of function by premature protein truncation or nonsense-mediated mRNA decay. As such, this alteration is interpreted as a disease-causing mutation.

All of Us Research Program, National Institutes of Health
Classification: Likely pathogenic for Lynch syndrome. Last evaluated: 2024-01-22. Review status: criteria provided, single submitter. Criteria: ACMG Guidelines, 2015. Collection method: clinical testing. Allele origin: germline. Inheritance: Autosomal dominant inheritance. Observed: 1 variant allele, 1 heterozygote.
Comment: The c.3365_3366insTT (p.Gln1122Hisfs*24) variant in the MSH6 gene, that encodes for mutS homolog 6, introduces a premature translation termination codon in exon 5, resulting in an absent or disrupted protein product. Loss-of-function variants in MSH6 are well known to be pathogenic and ClinGen score shows sufficient evidence of haploinsufficiency of this gene (PMID: 9354786, 11709755, 20028993, 25318681). Truncating variants downstream of this variant are reported to be pathogenic in the literature (PMID: 18301448, 28514183, 28528517) and by several ClinVar submitters (ClinVar ID: 89377, 141166). This variant is found to be absent in the general population database, gnomAD and interpreted as pathogenic by a ClinVar submitter (ClinVar ID: 1730649). Therefore, the c.3365_3366insTT (p.Gln1122Hisfs*24) variant in the MSH6 gene is classified as likely pathogenic.

This study involves interpretation of variants in research participants for the purpose of population health screening. Participant phenotype was not available at the time of variant classification. Additional details can be found in publication PMID: 35346344, PMCID: PMC8962531

Myriad Genetics, Inc.
Classification: Pathogenic for Lynch syndrome 5. Last evaluated: 2023-08-22. Review status: criteria provided, single submitter. Criteria: Myriad Autosomal Dominant, Autosomal Recessive and X-Linked Classification Criteria (2023). Collection method: clinical testing. Allele origin: unknown.
Comment: This variant is considered pathogenic. This variant creates a frameshift predicted to result in premature protein truncation.

Baylor Genetics
Classification: Likely pathogenic for Endometrial carcinoma. Last evaluated: 2022-10-05. Review status: criteria provided, single submitter. Criteria: ACMG Guidelines, 2015. Collection method: clinical testing. Allele origin: unknown.

Literature cited by the submitters: PubMed 9354786 (cited by All of Us Research Program, National Institutes of Health); PubMed 11709755 (cited by All of Us Research Program, National Institutes of Health); PubMed 18301448 (cited by All of Us Research Program, National Institutes of Health); PubMed 20028993 (cited by All of Us Research Program, National Institutes of Health); PubMed 25318681 (cited by All of Us Research Program, National Institutes of Health); PubMed 28514183 (cited by All of Us Research Program, National Institutes of Health); PubMed 28528517 (cited by All of Us Research Program, National Institutes of Health).

NM_000179.3(MSH6):c.3365_3366insTT (p.Gln1122fs)

Gene: MSH6 (mutS homolog 6; plus strand). Cytogenetic location: 2p16.3.
Variant type: Insertion.
Coding change: c.3365_3366insTT on transcript NM_000179.3 (MANE Select); coding-DNA positions 3365 to 3366, TT inserted.
Protein change: p.Gln1122fs; shifts the reading frame from glutamine 1122.
Molecular consequence: frameshift variant.
Genome position: GRCh38 VCF-style: chr2-47803612-A-ATT. GRCh37 (hg19) VCF-style: chr2-48030751-A-ATT.
Other names: c.2975_2976insTT, p.Gln992fs (NM_001281492.2); c.2459_2460insTT, p.Gln820fs (NM_001281493.2, NM_001281494.2); c.3461_3462insTT, p.Gln1154Hisfs (NM_001406795.1, NM_001406802.1); c.3365_3366insTT, p.Gln1122Hisfs (NM_001406796.1, NM_001406800.1, NM_001406808.1 and 1 more transcripts); c.3068_3069insTT, p.Gln1023Hisfs (NM_001406797.1, NM_001406801.1, NM_001406805.1 and 10 more transcripts); c.3191_3192insTT, p.Gln1064Hisfs (NM_001406798.1); c.2840_2841insTT, p.Gln947Hisfs (NM_001406799.1, NM_001406806.1, NM_001406807.1); c.2501_2502insTT, p.Gln834Hisfs (NM_001406803.1); and 8 more; short protein forms Q992fs, Q1122fs, Q820fs.
Identifiers: ClinVar variation 1730649 (VCV001730649.6), dbSNP rs2530771488, ClinGen allele CA2580067080.